The following is an entry in ClinVar:

ClinVar aggregate classification (germline): Benign (1 of 4 stars; one submission).

Conditions:
Pheochromocytoma/paraganglioma syndrome 4. Also called: CAROTID BODY TUMORS AND MULTIPLE EXTRAADRENAL PHEOCHROMOCYTOMAS; PARAGANGLIOMA, FAMILIAL MALIGNANT; PARAGANGLIOMAS, HEREDITARY EXTRAADRENAL; PHEOCHROMOCYTOMA, FAMILIAL EXTRAADRENAL; Paragangliomas 4; SDHB-Related Hereditary Paraganglioma-Pheochromocytoma Syndrome (Paragangliomas 4). Identifiers: Orphanet 29072, MedGen C1861848, MONDO:0007273, OMIM 115310.

Submission:

Myriad Genetics, Inc.
Classification: Benign for Pheochromocytoma/paraganglioma syndrome 4. Last evaluated: 2025-03-13. Review status: criteria provided, single submitter. Criteria: Myriad Autosomal Dominant, Autosomal Recessive and X-Linked Classification Criteria (2023). Collection method: clinical testing. Allele origin: unknown.
Comment: This variant is considered benign. This variant is a silent/synonymous amino acid change and it is not expected to impact splicing.

NM_003000.3(SDHB):c.769C>T (p.Leu257=)

Gene: SDHB (succinate dehydrogenase complex iron sulfur subunit B; minus strand). Cytogenetic location: 1p36.13.
Variant type: single nucleotide variant.
Coding change: c.769C>T on transcript NM_003000.3 (MANE Select); coding-DNA position 769, C replaced by T.
Protein change: p.Leu257=; no amino-acid change (leucine 257 retained).
Molecular consequence: synonymous variant.
Genome position (GRCh38, 1-based): chr1:17,018,955, G>A on the plus strand (C>T on the coding strand, the complement: SDHB is on the minus strand). VCF-style: chr1-17018955-G-A. GRCh37 (hg19) VCF-style: chr1-17345450-G-A.
Other names: c.715C>T, p.Leu239= (NM_001407361.1).
Identifiers: ClinVar variation 3904672 (VCV003904672.1).